The following is an entry in ClinVar:

NM_001385012.1(NBEA):c.7186A>G (p.Thr2396Ala)

Gene: NBEA (neurobeachin; plus strand). Cytogenetic location: 13q13.3.
Variant type: single nucleotide variant.
Coding change: c.7186A>G on transcript NM_001385012.1 (MANE Select); coding-DNA position 7186, A replaced by G.
Protein change: p.Thr2396Ala; replaces threonine 2396 with alanine.
Molecular consequence: missense variant.
Genome position (GRCh38, 1-based): chr13:35,593,337, A>G. VCF-style: chr13-35593337-A-G. GRCh37 (hg19) VCF-style: chr13-36167474-A-G.
Other names: c.565A>G, p.Thr189Ala (NM_001204197.3); c.7177A>G, p.Thr2393Ala (NM_001379245.1); c.7186A>G, p.Thr2396Ala (NM_015678.5); short protein forms T189A, T2393A, T2396A.
Identifiers: ClinVar variation 4536987 (VCV004536987.1).

ClinVar aggregate classification (germline): Uncertain significance (1 of 4 stars; one submission).

gnomAD v4.1: 1 of 1,612,514 alleles (0.000062%); highest among the groups gnomAD compares: South Asian, 0.0011%; no homozygotes.

Submission:

Women's Health and Genetics/Laboratory Corporation of America, LabCorp
Classification: Uncertain significance. Last evaluated: 2025-11-07. Review status: criteria provided, single submitter. Criteria: LabCorp Variant Classification Summary - May 2015. Collection method: clinical testing. Allele origin: germline.
Comment: Variant summary: NBEA c.7186A>G (p.Thr2396Ala) results in a non-conservative amino acid change in the encoded protein sequence. Algorithms developed to predict the effect of missense changes on protein structure and function are either unavailable or do not agree on the potential impact of this missense change. The variant allele was found at a frequency of 4e-06 in 248504 control chromosomes (gnomAD). The available data on variant occurrences in the general population are insufficient to allow any conclusion about variant significance. To our knowledge, no occurrence of c.7186A>G in individuals affected with NBEA-related conditions and no experimental evidence demonstrating its impact on protein function have been reported. No submitters have cited clinical-significance assessments for this variant to ClinVar. Based on the evidence outlined above, the variant was classified as uncertain significance.